The following is an entry in ClinVar:

NM_004304.5(ALK):c.1690G>T (p.Val564Leu)

Gene: ALK (ALK receptor tyrosine kinase; minus strand). Cytogenetic location: 2p23.2.
Variant type: single nucleotide variant.
Coding change: c.1690G>T on transcript NM_004304.5 (MANE Select); coding-DNA position 1690, G replaced by T.
Protein change: p.Val564Leu; replaces valine 564 with leucine.
Molecular consequence: missense variant.
Genome position (GRCh38, 1-based): chr2:29,297,015, C>A on the plus strand (G>T on the coding strand, the complement: ALK is on the minus strand). VCF-style: chr2-29297015-C-A. GRCh37 (hg19) VCF-style: chr2-29519881-C-A.
Other names: short protein forms V564L.
Identifiers: ClinVar variation 1778134 (VCV001778134.5), dbSNP rs780939762, ClinGen allele CA346466509.

ClinVar aggregate classification (germline): Uncertain significance. Review status: criteria provided, multiple submitters, no conflicts (2 of 4 stars). 2 submissions from 2 submitters: Uncertain significance (2). Last evaluated 2025-08-27.

Conditions:
Neuroblastoma, susceptibility to, 3. Also called: ALK-Related Neuroblastic Tumor Susceptibility. Identifiers: Orphanet 635, MedGen C2751681, MONDO:0013083, OMIM 613014.
Hereditary cancer-predisposing syndrome. Also called: Tumor predisposition; Neoplastic Syndromes, Hereditary; Hereditary Cancer Syndrome; Hereditary neoplastic syndrome. Identifiers: Orphanet 140162, MedGen C0027672, MeSH D009386, MONDO:0015356.

gnomAD v4.1: 1 of 1,614,200 alleles (0.000062%); highest among the groups gnomAD compares: East Asian, 0.0022%; no homozygotes.

Submissions (2):

Labcorp Genetics (formerly Invitae), Labcorp
Classification: Uncertain significance for Neuroblastoma, susceptibility to, 3. Last evaluated: 2025-08-27. Review status: criteria provided, single submitter. Criteria: Invitae Variant Classification Sherloc (09022015). Collection method: clinical testing. Allele origin: germline.
Comment: This sequence change replaces valine, which is neutral and non-polar, with leucine, which is neutral and non-polar, at codon 564 of the ALK protein (p.Val564Leu). This variant is present in population databases (no rsID available, gnomAD 0.006%). This variant has not been reported in the literature in individuals affected with ALK-related conditions. ClinVar contains an entry for this variant (Variation ID: 1778134). An algorithm developed to predict the effect of missense changes on protein structure and function outputs the following: PolyPhen-2: "Benign". The leucine amino acid residue is found in multiple mammalian species, which suggests that this missense change does not adversely affect protein function. In summary, the available evidence is currently insufficient to determine the role of this variant in disease. Therefore, it has been classified as a Variant of Uncertain Significance.

Ambry Genetics
Classification: Uncertain significance for Hereditary cancer-predisposing syndrome. Last evaluated: 2022-01-15. Review status: criteria provided, single submitter. Criteria: Ambry Variant Classification Scheme 2023. Collection method: clinical testing. Allele origin: germline.
Comment: The p.V564L variant (also known as c.1690G>T), located in coding exon 9 of the ALK gene, results from a G to T substitution at nucleotide position 1690. The valine at codon 564 is replaced by leucine, an amino acid with highly similar properties. This amino acid position is conserved. In addition, this alteration is predicted to be tolerated by in silico analysis. Since supporting evidence is limited at this time, the clinical significance of this alteration remains unclear.